The following is an entry in ClinVar:

ClinVar aggregate classification (germline): Likely benign. Review status: criteria provided, multiple submitters, no conflicts (2 of 4 stars). 2 submissions from 2 submitters: Likely benign (2). Last evaluated 2025-09-05.

Conditions:
Cardiomyopathy (CMYO). Also called: Cardiomyopathies. Identifiers: Orphanet 167848, MedGen C0878544, MONDO:0004994, HP:0001638. Inheritance: Various modes of inheritance.

Allele frequency attached by ClinVar (database versions not stated): gnomAD exomes 0.00001; ExAC 0.00004.
gnomAD v4.1: 15 of 1,601,486 alleles (0.00094%); highest among the groups gnomAD compares: Non-Finnish European, 0.0013%; no homozygotes.

Submissions (2):

Color Diagnostics, LLC DBA Color Health
Classification: Likely benign for Cardiomyopathy. Last evaluated: 2025-09-05. Review status: criteria provided, single submitter. Criteria: ACMG Guidelines, 2015. Collection method: clinical testing. Allele origin: germline.

GeneDx
Classification: Likely benign. Last evaluated: 2018-03-23. Review status: criteria provided, single submitter. Criteria: GeneDx Variant Classification (06012015). Collection method: clinical testing. Allele origin: germline. Affected: yes.
Comment: This variant is considered likely benign or benign based on one or more of the following criteria: it is a conservative change, it occurs at a poorly conserved position in the protein, it is predicted to be benign by multiple in silico algorithms, and/or has population frequency not consistent with disease.

NM_000256.3(MYBPC3):c.1860C>G (p.Gly620=)

Gene: MYBPC3 (myosin binding protein C3; minus strand). Cytogenetic location: 11p11.2.
Variant type: single nucleotide variant.
Coding change: c.1860C>G on transcript NM_000256.3 (MANE Select); coding-DNA position 1860, C replaced by G.
Protein change: p.Gly620=; no amino-acid change (glycine 620 retained).
Molecular consequence: synonymous variant.
Genome position (GRCh38, 1-based): chr11:47,341,175, G>C on the plus strand (C>G on the coding strand, the complement: MYBPC3 is on the minus strand). VCF-style: chr11-47341175-G-C. GRCh37 (hg19) VCF-style: chr11-47362726-G-C.
Identifiers: ClinVar variation 681099 (VCV000681099.2), dbSNP rs773371075, ClinGen allele CA078346.